The following is an entry in ClinVar:

ClinVar aggregate classification (germline): Uncertain significance (1 of 4 stars; one submission).

Conditions:
LMNA-related disorder. Also called: LMNA-related disorders; LMNA-related condition; LMNA-related disease. Identifiers: MedGen CN380145.

Submission:

PreventionGenetics, part of Exact Sciences
Classification: Uncertain significance for LMNA-related condition. Last evaluated: 2023-03-23. Review status: criteria provided, single submitter. Criteria: ACMG Guidelines, 2015. Collection method: clinical testing. Allele origin: germline.
Comment: The LMNA c.631T>G variant is predicted to result in the amino acid substitution p.Tyr211Asp. To our knowledge, this variant has not been reported in the literature or in a large population database, indicating this variant is rare. A different nucleotide substitution affecting the same amino acid (p.Tyr211Cys) has been reported in individuals with cardiomyopathy or sudden infant death syndrome (Table S2, Tobita et al. 2018. PubMed ID: 29386531; Köffer et al. 2021. PubMed ID: 32789579). At this time, the clinical significance of the c.631T>G (p.Tyr211Asp) variant is uncertain due to the absence of conclusive functional and genetic evidence.

NM_170707.4(LMNA):c.631T>G (p.Tyr211Asp)

Gene: LMNA (lamin A/C; plus strand). Cytogenetic location: 1q22.
Variant type: single nucleotide variant.
Coding change: c.631T>G on transcript NM_170707.4 (MANE Select); coding-DNA position 631, T replaced by G.
Protein change: p.Tyr211Asp; replaces tyrosine 211 with aspartic acid.
Molecular consequence: missense variant. On other transcripts: 5 prime UTR variant (4).
Genome position (GRCh38, 1-based): chr1:156,134,520, T>G. VCF-style: chr1-156134520-T-G. GRCh37 (hg19) VCF-style: chr1-156104311-T-G.
Other names: c.295T>G, p.Tyr99Asp (NM_001257374.3, NM_001406989.1, NM_001406998.1); c.388T>G, p.Tyr130Asp (NM_001282624.2, NM_001406986.1, NM_001406987.1); c.631T>G, p.Tyr211Asp (NM_001282625.2, NM_001282626.2, NM_001406983.1 and 6 more transcripts); c.334T>G, p.Tyr112Asp (NM_001406988.1); c.73T>G, p.Tyr25Asp (NM_001406990.1, NM_001406993.1, NM_001406995.1 and 4 more transcripts); c.-34T>G (NM_001406994.1, NM_001406999.1, NM_001407000.1 and 1 more transcripts); short protein forms Y112D, Y130D, Y211D, Y25D, Y99D.
Identifiers: ClinVar variation 2633365 (VCV002633365.1), dbSNP rs1651356208, ClinGen allele CA342817082.